The following is an entry in ClinVar:

ClinVar aggregate classification (germline): Uncertain significance (1 of 4 stars; one submission).

Conditions:
Hypertrophic cardiomyopathy 1 (CMH1). Also called: MYH7-Related Familial Hypertrophic Cardiomyopathy; Familial hypertrophic cardiomyopathy 1. Identifiers: MedGen C3495498, MONDO:0008647, OMIM 192600.

Allele frequency attached by ClinVar (database versions not stated): gnomAD exomes below 0.00001.

Submission:

Labcorp Genetics (formerly Invitae), Labcorp
Classification: Uncertain significance for Hypertrophic cardiomyopathy 1. Last evaluated: 2023-09-23. Review status: criteria provided, single submitter. Criteria: Invitae Variant Classification Sherloc (09022015). Collection method: clinical testing. Allele origin: germline.
Comment: In summary, the available evidence is currently insufficient to determine the role of this variant in disease. Therefore, it has been classified as a Variant of Uncertain Significance. An algorithm developed to predict the effect of missense changes on protein structure and function (PolyPhen-2) suggests that this variant is likely to be disruptive. This variant has not been reported in the literature in individuals affected with MYLK2-related conditions. This variant is not present in population databases (gnomAD no frequency). This sequence change replaces leucine, which is neutral and non-polar, with phenylalanine, which is neutral and non-polar, at codon 564 of the MYLK2 protein (p.Leu564Phe).

NM_033118.4(MYLK2):c.1690C>T (p.Leu564Phe)

Gene: MYLK2 (myosin light chain kinase 2; plus strand). Cytogenetic location: 20q11.21.
Variant type: single nucleotide variant.
Coding change: c.1690C>T on transcript NM_033118.4 (MANE Select); coding-DNA position 1690, C replaced by T.
Protein change: p.Leu564Phe; replaces leucine 564 with phenylalanine.
Molecular consequence: missense variant.
Genome position (GRCh38, 1-based): chr20:31,832,116, C>T. VCF-style: chr20-31832116-C-T. GRCh37 (hg19) VCF-style: chr20-30419919-C-T.
Other names: short protein forms L564F.
Identifiers: ClinVar variation 2797524 (VCV002797524.3), dbSNP rs2515461502, ClinGen allele CA408528452.